The following is an entry in ClinVar:

ClinVar aggregate classification (germline): Uncertain significance (1 of 4 stars; one submission).

Submission:

Labcorp Genetics (formerly Invitae), Labcorp
Classification: Uncertain significance. Last evaluated: 2021-04-17. Review status: criteria provided, single submitter. Criteria: Invitae Variant Classification Sherloc (09022015). Collection method: clinical testing. Allele origin: germline.
Comment: In summary, the available evidence is currently insufficient to determine the role of this variant in disease. Therefore, it has been classified as a Variant of Uncertain Significance. Nucleotide substitutions within the consensus splice site are a relatively common cause of aberrant splicing (PMID: 17576681, 9536098). Algorithms developed to predict the effect of sequence changes on RNA splicing suggest that this variant may disrupt the consensus splice site, but this prediction has not been confirmed by published transcriptional studies. This variant has been observed in individual(s) with Stargardt disease (Invitae). This variant is not present in population databases (ExAC no frequency). This sequence change falls in intron 28 of the ABCA4 gene. It does not directly change the encoded amino acid sequence of the ABCA4 protein. It affects a nucleotide within the consensus splice site of the intron.

Literature cited by the submitters: PubMed 17576681; PubMed 9536098.

NM_000350.3(ABCA4):c.4253+3G>C

Gene: ABCA4 (ATP binding cassette subfamily A member 4; minus strand). Cytogenetic location: 1p22.1.
Variant type: single nucleotide variant.
Coding change: c.4253+3G>C on transcript NM_000350.3 (MANE Select); 3 bases into the intron after coding-DNA position 4253, G replaced by C.
Molecular consequence: intron variant.
Genome position (GRCh38, 1-based): chr1:94,030,993, C>G on the plus strand (G>C on the coding strand, the complement: ABCA4 is on the minus strand). VCF-style: chr1-94030993-C-G. GRCh37 (hg19) VCF-style: chr1-94496549-C-G.
Identifiers: ClinVar variation 1508088 (VCV001508088.8), dbSNP rs1660184848, ClinGen allele CA2573131951.